The following is an entry in ClinVar:

ClinVar aggregate classification (germline): Conflicting classifications of pathogenicity. Review status: criteria provided, conflicting classifications (1 of 4 stars). 2 submissions from 2 submitters: Pathogenic (1); Uncertain significance (1). Last evaluated 2019-05-23.

Conditions:
Alzheimer disease 3 (AD3). Also called: ALZHEIMER DISEASE, FAMILIAL, 3. Identifiers: Orphanet 1020, MedGen C1843013, MONDO:0011913, OMIM 607822.

Submissions (2):

Foundation for Research in Genetics and Endocrinology, FRIGE's Institute of Human Genetics
Classification: Uncertain significance for Alzheimer disease 3. Last evaluated: 2019-05-23. Review status: criteria provided, single submitter. Criteria: ACMG Guidelines, 2015. Collection method: clinical testing. Allele origin: germline. Inheritance: Autosomal dominant inheritance. Affected: yes. Observed: 1 heterozygote.
Comment: The c.551A>G (p.Glu184Gly) variant in PSEN1 gene has been reported in French patients previously (Wallon D et al. JAD 2012). The observed variant has not been reported in the 1000 Genomes and ExAC databases. The in silico predictions of the variant are possibly damaging by PolyPhen-2 (HumDiv) and damaging by SIFT, LRT and MutationTaster2. In summary, the said variant meets our criteria to be classified as uncertain significance based on the mode of inheritance, in silico prediction and allele frequency in population databases.

Institute of Human Genetics Munich, TUM University Hospital
Classification: Pathogenic for Alzheimer disease 3. Last evaluated: 2018-11-08. Review status: criteria provided, single submitter. Criteria: Classification criteria August 2017. Collection method: clinical testing. Allele origin: germline. Inheritance: Autosomal dominant inheritance. Affected: yes. Observed: 1 heterozygote.

NM_000021.4(PSEN1):c.551A>G (p.Glu184Gly)

Gene: PSEN1 (presenilin 1; plus strand). Cytogenetic location: 14q24.2.
Variant type: single nucleotide variant.
Coding change: c.551A>G on transcript NM_000021.4 (MANE Select); coding-DNA position 551, A replaced by G.
Protein change: p.Glu184Gly; replaces glutamic acid 184 with glycine.
Molecular consequence: missense variant.
Genome position (GRCh38, 1-based): chr14:73,192,646, A>G. VCF-style: chr14-73192646-A-G. GRCh37 (hg19) VCF-style: chr14-73659354-A-G.
Other names: c.539A>G, p.Glu180Gly (NM_007318.3); short protein forms E184G, E180G.
Identifiers: ClinVar variation 635001 (VCV000635001.6), dbSNP rs1566641934, ClinGen allele CA390298871.